The following is an entry in ClinVar:

NM_001040108.2(MLH3):c.1899T>C (p.Pro633=)

Gene: MLH3 (mutL homolog 3; minus strand). Cytogenetic location: 14q24.3.
Variant type: single nucleotide variant.
Coding change: c.1899T>C on transcript NM_001040108.2 (MANE Select); coding-DNA position 1899, T replaced by C.
Protein change: p.Pro633=; no amino-acid change (proline 633 retained).
Molecular consequence: synonymous variant.
Genome position (GRCh38, 1-based): chr14:75,047,757, A>G on the plus strand (T>C on the coding strand, the complement: MLH3 is on the minus strand). VCF-style: chr14-75047757-A-G. GRCh37 (hg19) VCF-style: chr14-75514460-A-G.
Other names: c.1899T>C, p.Pro633= (NM_014381.3).
Identifiers: ClinVar variation 700668 (VCV000700668.12), dbSNP rs145978189, ClinGen allele CA7275798.
Genomic context (GRCh38, chr14:75,047,757, plus strand): 5'-TGGAGTTTCAACTGAATGACGTGTTCTATTTCCAAATGTTTCTTGGGCACGTGTGGGACC[A>G]GGTCTAACATAATTTTTAAATGAATGTTCTGTTTCAGTTGATTTAGTTTTTTCATTTTGT-3'
Protein context (NP_001035197.1, residues 623-643): TEHSFKNYVR[Pro633=]GPTRAQETFG

ClinVar aggregate classification (germline): Benign/Likely benign. Review status: criteria provided, multiple submitters, no conflicts (2 of 4 stars). 3 submissions from 3 submitters: Benign (1); Likely benign (2). Last evaluated 2026-04-30.

Conditions:
Colorectal cancer, hereditary nonpolyposis, type 7. Identifiers: Orphanet 144, MedGen C1858380, MONDO:0013725, OMIM 614385.

Allele frequency attached by ClinVar (database versions not stated): gnomAD exomes 0.00004 and 0.00001; 1000 Genomes Project 30x 0.00031; gnomAD 0.00001 and 0.00002; 1000 Genomes Project 0.00020; TOPMed 0.00003; ExAC 0.00002.
gnomAD v4.1: 20 of 1,614,160 alleles (0.0012%); highest among the groups gnomAD compares: Admixed American, 0.015%; no homozygotes.

Submissions (3):

Myriad Genetics, Inc.
Classification: Benign for Colorectal cancer, hereditary nonpolyposis, type 7. Last evaluated: 2026-04-30. Review status: criteria provided, single submitter. Criteria: Myriad Autosomal Dominant, Autosomal Recessive and X-Linked Classification Criteria (2023). Collection method: clinical testing. Allele origin: unknown.
Comment: This variant is considered benign. This variant is a silent/synonymous amino acid change and it is not expected to impact splicing.

Labcorp Genetics (formerly Invitae), Labcorp
Classification: Likely benign for Colorectal cancer, hereditary nonpolyposis, type 7. Last evaluated: 2025-06-18. Review status: criteria provided, single submitter. Criteria: Invitae Variant Classification Sherloc (09022015). Collection method: clinical testing. Allele origin: germline.

Ambry Genetics
Classification: Likely benign. Last evaluated: 2021-04-16. Review status: criteria provided, single submitter. Criteria: Ambry Variant Classification Scheme 2023. Collection method: clinical testing. Allele origin: germline.